The following is an entry in ClinVar:

ClinVar aggregate classification (germline): Likely benign (1 of 4 stars; one submission).

Submission:

GeneDx
Classification: Likely benign. Last evaluated: 2018-06-14. Review status: criteria provided, single submitter. Criteria: GeneDx Variant Classification (06012015). Collection method: clinical testing. Allele origin: germline. Affected: yes.
Comment: This variant is considered likely benign or benign based on one or more of the following criteria: it is a conservative change, it occurs at a poorly conserved position in the protein, it is predicted to be benign by multiple in silico algorithms, and/or has population frequency not consistent with disease.

NM_001999.4(FBN2):c.3973+96_3973+98del

Gene: FBN2 (fibrillin 2; minus strand). Cytogenetic location: 5q23.3.
Variant type: Microsatellite.
Coding change: c.3973+96_3973+98del on transcript NM_001999.4 (MANE Select); bases 96 to 98 of the intron after coding-DNA position 3973, 3 bases deleted (GTT; older notation c.3973+96_3973+98delGTT).
Molecular consequence: intron variant.
Genome position (GRCh38, 1-based): chr5:128,335,072-128,335,074, AAC deleted on the plus strand (GTT on the coding strand, the reverse complement: FBN2 is on the minus strand); deleting any 3 consecutive bases within chr5:128,335,072-128,335,078 gives the same sequence; the c. name uses the placement nearest the transcript's 3' end. VCF-style (leftmost placement, unchanged base first): chr5-128335071-TAAC-T. GRCh37 (hg19) VCF-style: chr5-127670763-TAAC-T.
Identifiers: ClinVar variation 675760 (VCV000675760.1), dbSNP rs547745692, ClinGen allele CA127008337.
Genomic context (GRCh38, chr5:128,335,071, plus strand): 5'-TTTAAAAGTAATTCTTCCTGAGATTTTACAGTTCTAGTAAAATGATTTGAATTTTTAAAA[TAAC>T]AACAGAAAAAGCCTTCCTTTTATCACGCTTGTGTGTGCATGTGGGTGTGTGTGCATGTGT-3'